The following is an entry in ClinVar:

NM_007294.4(BRCA1):c.2375G>A (p.Gly792Glu)

Gene: BRCA1 (BRCA1 DNA repair associated; minus strand). Cytogenetic location: 17q21.31.
Variant type: single nucleotide variant.
Coding change: c.2375G>A on transcript NM_007294.4 (MANE Select); coding-DNA position 2375, G replaced by A.
Protein change: p.Gly792Glu; replaces glycine 792 with glutamic acid.
Molecular consequence: missense variant. On other transcripts: intron variant (137).
Genome position (GRCh38, 1-based): chr17:43,093,156, C>T on the plus strand (G>A on the coding strand, the complement: BRCA1 is on the minus strand). VCF-style: chr17-43093156-C-T. GRCh37 (hg19) VCF-style: chr17-41245173-C-T.
Other names: c.2252G>A, p.Gly751Glu (NM_001407939.1, NM_001407648.1, NM_001407664.1 and 19 more transcripts); c.2249G>A, p.Gly750Glu (NM_001407940.1, NM_001407941.1, NM_001407649.1 and 11 more transcripts); c.2231G>A, p.Gly744Glu (NM_001407943.1, NM_001407740.1, NM_001407741.1 and 20 more transcripts); c.2234G>A, p.Gly745Glu (NM_001407944.1, NM_001407942.1, NM_001407945.1 and 29 more transcripts); c.2042G>A, p.Gly681Glu (NM_001407948.1, NM_001407949.1, NM_001407950.1 and 6 more transcripts); c.2039G>A, p.Gly680Glu (NM_001407954.1, NM_001407955.1, NM_001407956.1 and 1 more transcripts); c.2162G>A, p.Gly721Glu (NM_001407571.1, NM_001407853.1, NM_001407894.1 and 9 more transcripts); c.2375G>A, p.Gly792Glu (NM_001407581.1, NM_001407582.1, NM_001407583.1 and 30 more transcripts); and 41 more; short protein forms G792E, G745E, G496E, G624E, G665E, G680E, G681E, G703E.
Identifiers: ClinVar variation 842423 (VCV000842423.13), dbSNP rs2053771901, ClinGen allele CA10597260.

ClinVar aggregate classification (germline): Conflicting classifications of pathogenicity. Review status: criteria provided, conflicting classifications (1 of 4 stars). 2 submissions from 2 submitters: Uncertain significance (1); Likely benign (1). Last evaluated 2023-03-23.

Conditions:
Hereditary cancer-predisposing syndrome. Also called: Hereditary Cancer Syndrome; Hereditary neoplastic syndrome; Tumor predisposition; Neoplastic Syndromes, Hereditary. Identifiers: Orphanet 140162, MedGen C0027672, MeSH D009386, MONDO:0015356.
Hereditary breast ovarian cancer syndrome. Also called: Breast and ovarian cancer; Hereditary breast and ovarian cancer syndrome; Hereditary breast and ovarian cancer syndrome (HBOC); BRCA1- and BRCA2-Associated Hereditary Breast and Ovarian Cancer; Hereditary breast and ovarian cancer; Hereditary breast and/or ovarian cancer syndrome. Identifiers: Orphanet 145, MedGen C0677776, MeSH D061325, MONDO:0003582. Disease mechanism: loss of function.

Submissions (2):

University of Washington Department of Laboratory Medicine, University of Washington
Classification: Likely benign for Hereditary cancer-predisposing syndrome. Last evaluated: 2023-03-23. Review status: criteria provided, single submitter. Criteria: Dines et al. (Genet Med. 2020). Collection method: curation. Allele origin: germline.
Comment: Missense variant in a coldspot region where missense variants are very unlikely to be pathogenic (PMID:31911673).

BRCA1 coldspot (exon 11 using historical exon numbering). Reclassification based on statistical prior probability

Labcorp Genetics (formerly Invitae), Labcorp
Classification: Uncertain significance for Hereditary breast ovarian cancer syndrome. Last evaluated: 2019-12-02. Review status: criteria provided, single submitter. Criteria: Invitae Variant Classification Sherloc (09022015). Collection method: clinical testing. Allele origin: germline.
Comment: This variant is not present in population databases (ExAC no frequency). In summary, the available evidence is currently insufficient to determine the role of this variant in disease. Therefore, it has been classified as a Variant of Uncertain Significance. Algorithms developed to predict the effect of missense changes on protein structure and function output the following: SIFT: "Tolerated"; PolyPhen-2: "Benign"; Align-GVGD: "Class C0". The glutamic acid amino acid residue is found in multiple mammalian species, suggesting that this missense change does not adversely affect protein function. These predictions have not been confirmed by published functional studies and their clinical significance is uncertain. This variant has not been reported in the literature in individuals with BRCA1-related conditions. This sequence change replaces glycine with glutamic acid at codon 792 of the BRCA1 protein (p.Gly792Glu). The glycine residue is weakly conserved and there is a moderate physicochemical difference between glycine and glutamic acid.